The following is an entry in ClinVar:

ClinVar aggregate classification (germline): Pathogenic (1 of 4 stars; one submission).

Conditions:
PORCN-related disorder. Also called: PORCN-related condition.

Submission:

PreventionGenetics, part of Exact Sciences
Classification: Pathogenic for PORCN-related condition. Last evaluated: 2023-08-29. Review status: criteria provided, single submitter. Criteria: ACMG Guidelines, 2015. Collection method: clinical testing. Allele origin: germline.
Comment: The PORCN c.661delC variant is predicted to result in a frameshift and premature protein termination (p.Leu221Serfs*19). To our knowledge, this variant has not been reported in the literature or in a large population database, indicating this variant is rare. Frameshift variants in PORCN are expected to be pathogenic. This variant is interpreted as pathogenic.

NM_203475.3(PORCN):c.661del (p.Leu221fs)

Gene: PORCN (porcupine O-acyltransferase; plus strand). Cytogenetic location: Xp11.23.
Variant type: Deletion.
Coding change: c.661del on transcript NM_203475.3 (MANE Select); coding-DNA position 661, one base deleted (C; older notation c.661delC).
Protein change: p.Leu221fs; shifts the reading frame from leucine 221.
Molecular consequence: frameshift variant.
Genome position (GRCh38, 1-based): chrX:48,512,694, C deleted; the last of 5 consecutive C bases (chrX:48,512,690-48,512,694); deleting any one gives the same sequence. VCF-style (leftmost placement, unchanged base first): chrX-48512689-TC-T. GRCh37 (hg19) VCF-style: chrX-48371077-TC-T.
Other names: c.448del, p.Leu150fs (NM_001282167.2); c.661del, p.Leu221fs (NM_022825.4, NM_203473.3, NM_203474.1); short protein forms L150fs, L221fs.
Identifiers: ClinVar variation 2631169 (VCV002631169.1), dbSNP rs2519455254, ClinGen allele CA2695200191.